The following is an entry in ClinVar:

NM_152564.5(VPS13B):c.5135T>C (p.Phe1712Ser)

Gene: VPS13B (vacuolar protein sorting 13 homolog B; plus strand). Cytogenetic location: 8q22.2.
Variant type: single nucleotide variant.
Coding change: c.5135T>C on transcript NM_152564.5 (MANE Select); coding-DNA position 5135, T replaced by C.
Protein change: p.Phe1712Ser; replaces phenylalanine 1712 with serine.
Molecular consequence: missense variant.
Genome position (GRCh38, 1-based): chr8:99,577,548, T>C. VCF-style: chr8-99577548-T-C. GRCh37 (hg19) VCF-style: chr8-100589776-T-C.
Other names: c.5210T>C, p.Phe1737Ser (NM_017890.5); short protein forms F1712S, F1737S.
Identifiers: ClinVar variation 1303775 (VCV001303775.2), dbSNP rs1239050787, ClinGen allele CA371875346.

ClinVar aggregate classification (germline): Uncertain significance (1 of 4 stars; one submission).

Allele frequency attached by ClinVar (database versions not stated): gnomAD exomes below 0.00001; TOPMed below 0.00001; gnomAD 0.00001.
gnomAD v4.1: 5 of 1,613,782 alleles (0.00031%); highest among the groups gnomAD compares: East Asian, 0.0022%; no homozygotes.

Submission:

GeneDx
Classification: Uncertain significance. Last evaluated: 2020-10-27. Review status: criteria provided, single submitter. Criteria: GeneDx Variant Classification Process June 2021. Collection method: clinical testing. Allele origin: germline. Affected: yes.
Comment: Not observed in large population cohorts (Lek et al., 2016); In silico analysis supports that this missense variant does not alter protein structure/function; Has not been previously published as pathogenic or benign to our knowledge